The following is an entry in ClinVar:

NM_000742.4(CHRNA2):c.1095G>A (p.Trp365Ter)

Gene: CHRNA2 (cholinergic receptor nicotinic alpha 2 subunit; minus strand). Cytogenetic location: 8p21.2.
Variant type: single nucleotide variant.
Coding change: c.1095G>A on transcript NM_000742.4 (MANE Select); coding-DNA position 1095, G replaced by A.
Protein change: p.Trp365Ter; replaces tryptophan 365 with a stop codon.
Molecular consequence: nonsense.
Genome position (GRCh38, 1-based): chr8:27,463,348, C>T on the plus strand (G>A on the coding strand, the complement: CHRNA2 is on the minus strand). VCF-style: chr8-27463348-C-T. GRCh37 (hg19) VCF-style: chr8-27320865-C-T.
Other names: c.1050G>A, p.Trp350Ter (NM_001282455.2); c.618G>A, p.Trp206Ter (NM_001347705.2, NM_001347706.2); c.501G>A, p.Trp167Ter (NM_001347707.2, NM_001347708.2); short protein forms W206*, W167*, W350*, W365*.
Identifiers: ClinVar variation 1036953 (VCV001036953.5), dbSNP rs753568467, ClinGen allele CA4689534.

ClinVar aggregate classification (germline): Uncertain significance (1 of 4 stars; one submission).

Conditions:
Familial sleep-related hypermotor epilepsy. Also called: Autosomal Dominant Sleep-Related Hypermotor (Hyperkinetic) Epilepsy. Identifiers: Orphanet 98784, MedGen C3696898, MONDO:0000030.

Allele frequency attached by ClinVar (database versions not stated): TOPMed below 0.00001; gnomAD exomes 0.00001; ExAC 0.00002.
gnomAD v4.1: 8 of 1,613,924 alleles (0.0005%); highest among the groups gnomAD compares: Non-Finnish European, 0.00068%; no homozygotes.

Submission:

Labcorp Genetics (formerly Invitae), Labcorp
Classification: Uncertain significance. Last evaluated: 2022-02-10. Review status: criteria provided, single submitter. Criteria: Invitae Variant Classification Sherloc (09022015). Collection method: clinical testing. Allele origin: germline.
Comment: ClinVar contains an entry for this variant (Variation ID: 1036953). This sequence change creates a premature translational stop signal (p.Trp365*) in the CHRNA2 gene. It is expected to result in an absent or disrupted protein product. However, the current clinical and genetic evidence is not sufficient to establish whether loss-of-function variants in CHRNA2 cause disease. This variant is present in population databases (rs753568467, gnomAD 0.003%). This variant has not been reported in the literature in individuals affected with CHRNA2-related conditions. In summary, the available evidence is currently insufficient to determine the role of this variant in disease. Therefore, it has been classified as a Variant of Uncertain Significance.